The following is an entry in ClinVar:

NM_022095.4(ZNF335):c.3415C>T (p.Arg1139Trp)

Gene: ZNF335 (zinc finger protein 335; minus strand). Cytogenetic location: 20q13.12.
Variant type: single nucleotide variant.
Coding change: c.3415C>T on transcript NM_022095.4 (MANE Select); coding-DNA position 3415, C replaced by T.
Protein change: p.Arg1139Trp; replaces arginine 1139 with tryptophan.
Molecular consequence: missense variant.
Genome position (GRCh38, 1-based): chr20:45,950,291, G>A on the plus strand (C>T on the coding strand, the complement: ZNF335 is on the minus strand). VCF-style: chr20-45950291-G-A. GRCh37 (hg19) VCF-style: chr20-44578930-G-A.
Other names: short protein forms R1139W.
Identifiers: ClinVar variation 437355 (VCV000437355.11), dbSNP rs200221426, ClinGen allele CA9885043.

ClinVar aggregate classification (germline): Uncertain significance. Review status: criteria provided, multiple submitters, no conflicts (2 of 4 stars). 3 submissions from 3 submitters: Uncertain significance (3). Last evaluated 2023-11-21.

Conditions:
Inborn genetic diseases. Identifiers: MedGen C0950123, MeSH D030342.

Allele frequency attached by ClinVar (database versions not stated): ExAC 0.00003; gnomAD exomes 0.00004 and 0.00008; TOPMed 0.00004; gnomAD 0.00006; 1000 Genomes Project 30x 0.00016; 1000 Genomes Project 0.00020.
gnomAD v4.1: 70 of 1,561,388 alleles (0.0045%); highest among the groups gnomAD compares: East Asian, 0.018%; no homozygotes.

Submissions (3):

Ambry Genetics
Classification: Uncertain significance for Inborn genetic diseases. Last evaluated: 2023-11-21. Review status: criteria provided, single submitter. Criteria: Ambry Variant Classification Scheme 2023. Collection method: clinical testing. Allele origin: germline.

Labcorp Genetics (formerly Invitae), Labcorp
Classification: Uncertain significance. Last evaluated: 2022-10-13. Review status: criteria provided, single submitter. Criteria: Invitae Variant Classification Sherloc (09022015). Collection method: clinical testing. Allele origin: germline.
Comment: This sequence change replaces arginine, which is basic and polar, with tryptophan, which is neutral and slightly polar, at codon 1139 of the ZNF335 protein (p.Arg1139Trp). This variant is present in population databases (rs200221426, gnomAD 0.2%). This variant has not been reported in the literature in individuals affected with ZNF335-related conditions. ClinVar contains an entry for this variant (Variation ID: 437355). Algorithms developed to predict the effect of missense changes on protein structure and function are either unavailable or do not agree on the potential impact of this missense change (SIFT: "Deleterious"; PolyPhen-2: "Possibly Damaging"; Align-GVGD: "Class C0"). In summary, the available evidence is currently insufficient to determine the role of this variant in disease. Therefore, it has been classified as a Variant of Uncertain Significance.

Genetic Services Laboratory, University of Chicago
Classification: Uncertain significance. Last evaluated: 2015-08-13. Review status: criteria provided, single submitter. Criteria: ACMG Guidelines, 2015. Collection method: clinical testing. Allele origin: germline. Affected: no.